The following is an entry in ClinVar:

ClinVar aggregate classification (germline): Uncertain significance. Review status: criteria provided, multiple submitters, no conflicts (2 of 4 stars). 2 submissions from 2 submitters: Uncertain significance (2). Last evaluated 2024-12-20.

Conditions:
Hereditary cancer-predisposing syndrome. Also called: Neoplastic Syndromes, Hereditary; Tumor predisposition; Hereditary neoplastic syndrome; Hereditary Cancer Syndrome. Identifiers: Orphanet 140162, MedGen C0027672, MeSH D009386, MONDO:0015356.
Renal cell carcinoma. Identifiers: Orphanet 217071, MedGen C0007134, MeSH D002292, MONDO:0005086, HP:0005584.

gnomAD v4.1: 1 of 1,613,716 alleles (0.000062%); no homozygotes.

Submissions (2):

Ambry Genetics
Classification: Uncertain significance for Hereditary cancer-predisposing syndrome. Last evaluated: 2024-12-20. Review status: criteria provided, single submitter. Criteria: Ambry Variant Classification Scheme 2023. Collection method: clinical testing. Allele origin: germline.
Comment: The p.S1129C variant (also known as c.3386C>G), located in coding exon 15 of the MET gene, results from a C to G substitution at nucleotide position 3386. The serine at codon 1129 is replaced by cysteine, an amino acid with dissimilar properties. This amino acid position is highly conserved in available vertebrate species. In addition, the in silico prediction for this alteration is inconclusive. Based on the available evidence, the clinical significance of this variant remains unclear.

Labcorp Genetics (formerly Invitae), Labcorp
Classification: Uncertain significance for Renal cell carcinoma. Last evaluated: 2019-11-19. Review status: criteria provided, single submitter. Criteria: Invitae Variant Classification Sherloc (09022015). Collection method: clinical testing. Allele origin: germline.
Comment: This variant has not been reported in the literature in individuals with MET-related conditions. Algorithms developed to predict the effect of missense changes on protein structure and function (SIFT, PolyPhen-2, Align-GVGD) all suggest that this variant is likely to be disruptive, but these predictions have not been confirmed by published functional studies and their clinical significance is uncertain. In summary, the available evidence is currently insufficient to determine the role of this variant in disease. Therefore, it has been classified as a Variant of Uncertain Significance. This variant is not present in population databases (ExAC no frequency). This sequence change replaces serine with cysteine at codon 1129 of the MET protein (p.Ser1129Cys). The serine residue is highly conserved and there is a moderate physicochemical difference between serine and cysteine.

NM_000245.4(MET):c.3332C>G (p.Ser1111Cys)

Gene: MET (MET proto-oncogene, receptor tyrosine kinase; plus strand). Cytogenetic location: 7q31.2.
Variant type: single nucleotide variant.
Coding change: c.3332C>G on transcript NM_000245.4 (MANE Select); coding-DNA position 3332, C replaced by G.
Protein change: p.Ser1111Cys; replaces serine 1111 with cysteine.
Molecular consequence: missense variant.
Genome position (GRCh38, 1-based): chr7:116,777,461, C>G. VCF-style: chr7-116777461-C-G. GRCh37 (hg19) VCF-style: chr7-116417515-C-G.
Other names: c.3386C>G, p.Ser1129Cys (NM_001127500.3); c.2042C>G, p.Ser681Cys (NM_001324402.2); short protein forms S1111C, S1129C, S681C.
Identifiers: ClinVar variation 823699 (VCV000823699.15), dbSNP rs1584960002, ClinGen allele CA16622030.